The following is an entry in ClinVar:

ClinVar aggregate classification (germline): Pathogenic (1 of 4 stars; one submission).

Submission:

Labcorp Genetics (formerly Invitae), Labcorp
Classification: Pathogenic. Last evaluated: 2022-09-19. Review status: criteria provided, single submitter. Criteria: Invitae Variant Classification Sherloc (09022015). Collection method: clinical testing. Allele origin: germline.
Comment: This variant has not been reported in the literature in individuals affected with RINT1-related conditions. For these reasons, this variant has been classified as Pathogenic. ClinVar contains an entry for this variant (Variation ID: 1468558). This variant is not present in population databases (gnomAD no frequency). This sequence change creates a premature translational stop signal (p.Phe696Serfs*13) in the RINT1 gene. It is expected to result in an absent or disrupted protein product. Loss-of-function variants in RINT1 are known to be pathogenic (PMID: 31204009).

Literature cited by the submitters: PubMed 31204009.

NM_021930.6(RINT1):c.2087del (p.Phe696fs)

Genes: EFCAB10 (EF-hand calcium binding domain 10; minus strand), RINT1 (RAD50 interactor 1; plus strand). Cytogenetic location: 7q22.3.
Variant type: Deletion.
Coding change: c.2087del on transcript NM_021930.6 (MANE Select); coding-DNA position 2087, one base deleted (T; older notation c.2087delT).
Protein change: p.Phe696fs; shifts the reading frame from phenylalanine 696.
Molecular consequence: frameshift variant. On other transcripts: no sequence alteration (1), non-coding transcript variant (1), intron variant (2).
Genome position (GRCh38, 1-based): chr7:105,565,549, T deleted; the last of 2 consecutive T bases (chr7:105,565,548-105,565,549); deleting either gives the same sequence. VCF-style (leftmost placement, unchanged base first): chr7-105565547-CT-C. GRCh37 (hg19) VCF-style: chr7-105205994-CT-C.
Other names: c.*1del, p.Ter150= (NM_001355530.2); c.1853del, p.Phe618fs (NM_001346599.2); c.1064del, p.Phe355fs (NM_001346600.2, NM_001346603.2); c.1163del, p.Phe388fs (NM_001346601.2); c.360-101del (NM_001355531.2); c.384-101del (NM_001355526.2); short protein forms F696fs, F355fs, F618fs, F388fs.
Identifiers: ClinVar variation 1468558 (VCV001468558.6), dbSNP rs2133479924, ClinGen allele CA2573141467.
Genomic context (GRCh38, chr7:105,565,547, plus strand): 5'-TGATAATAAAGACAACTGTTATATGAATTATTCTTTGTTTCAGATAATTCTTGCTAATCA[CT>C]TCAATGAAGGAGGAGCAGCCCAGCTGCAGTTTGATATGACTCGGAATCTTTTCCCTTTGT-3'